The following is an entry in ClinVar:

NM_002439.5(MSH3):c.1559C>G (p.Ser520Cys)

Gene: MSH3 (mutS homolog 3; plus strand). Cytogenetic location: 5q14.1.
Variant type: single nucleotide variant.
Coding change: c.1559C>G on transcript NM_002439.5 (MANE Select); coding-DNA position 1559, C replaced by G.
Protein change: p.Ser520Cys; replaces serine 520 with cysteine.
Molecular consequence: missense variant.
Genome position (GRCh38, 1-based): chr5:80,728,956, C>G. VCF-style: chr5-80728956-C-G. GRCh37 (hg19) VCF-style: chr5-80024775-C-G.
Other names: c.1559C>G (NM_002439.3); short protein forms S520C.
Identifiers: ClinVar variation 3663336 (VCV003663336.3).

ClinVar aggregate classification (germline): Uncertain significance. Review status: criteria provided, multiple submitters, no conflicts (2 of 4 stars). 2 submissions from 2 submitters: Uncertain significance (2). Last evaluated 2025-05-07.

Conditions:
Hereditary cancer-predisposing syndrome. Also called: Hereditary Cancer Syndrome; Tumor predisposition; Hereditary neoplastic syndrome; Neoplastic Syndromes, Hereditary. Identifiers: Orphanet 140162, MedGen C0027672, MeSH D009386, MONDO:0015356.

Submissions (2):

Ambry Genetics
Classification: Uncertain significance for Hereditary cancer-predisposing syndrome. Last evaluated: 2025-05-07. Review status: criteria provided, single submitter. Criteria: Ambry Variant Classification Scheme 2023. Collection method: clinical testing. Allele origin: germline.
Comment: The p.S520C variant (also known as c.1559C>G), located in coding exon 10 of the MSH3 gene, results from a C to G substitution at nucleotide position 1559. The serine at codon 520 is replaced by cysteine, an amino acid with dissimilar properties. This amino acid position is conserved. In addition, the in silico prediction for this alteration is inconclusive. Based on the available evidence, the clinical significance of this variant remains unclear.

Labcorp Genetics (formerly Invitae), Labcorp
Classification: Uncertain significance. Last evaluated: 2024-08-24. Review status: criteria provided, single submitter. Criteria: Invitae Variant Classification Sherloc (09022015). Collection method: clinical testing. Allele origin: germline.
Comment: This sequence change replaces serine, which is neutral and polar, with cysteine, which is neutral and slightly polar, at codon 520 of the MSH3 protein (p.Ser520Cys). This variant is not present in population databases (gnomAD no frequency). This variant has not been reported in the literature in individuals affected with MSH3-related conditions. An algorithm developed to predict the effect of missense changes on protein structure and function (PolyPhen-2) suggests that this variant is likely to be disruptive. In summary, the available evidence is currently insufficient to determine the role of this variant in disease. Therefore, it has been classified as a Variant of Uncertain Significance.